The following is an entry in ClinVar:

ClinVar aggregate classification (germline): Likely benign (1 of 4 stars; one submission).

gnomAD v4.1: 2,918 of 1,509,824 alleles (0.19%); highest among the groups gnomAD compares: South Asian, 0.23%; 7 homozygotes.

Submission:

CeGaT Center for Human Genetics Tuebingen
Classification: Likely benign. Last evaluated: 2025-03-01. Review status: criteria provided, single submitter. Criteria: CeGaT Center For Human Genetics Tuebingen Variant Classification Criteria Version 2. Collection method: clinical testing. Allele origin: germline. Affected: yes. Observed: 2 variant alleles.
Comment: PPL: BP4

NM_002705.5(PPL):c.1969-6C>T

Gene: PPL (periplakin; minus strand). Cytogenetic location: 16p13.3.
Variant type: single nucleotide variant.
Coding change: c.1969-6C>T on transcript NM_002705.5 (MANE Select); 6 bases into the intron before coding-DNA position 1969, C replaced by T.
Molecular consequence: intron variant.
Genome position (GRCh38, 1-based): chr16:4,890,927, G>A on the plus strand (C>T on the coding strand, the complement: PPL is on the minus strand). VCF-style: chr16-4890927-G-A. GRCh37 (hg19) VCF-style: chr16-4940928-G-A.
Identifiers: ClinVar variation 3341616 (VCV003341616.16).